The following is an entry in ClinVar:

NM_000321.3(RB1):c.2234A>G (p.Lys745Arg)

Gene: RB1 (RB transcriptional corepressor 1; plus strand). Cytogenetic location: 13q14.2.
Variant type: single nucleotide variant.
Coding change: c.2234A>G on transcript NM_000321.3 (MANE Select); coding-DNA position 2234, A replaced by G.
Protein change: p.Lys745Arg; replaces lysine 745 with arginine.
Molecular consequence: missense variant.
Genome position (GRCh38, 1-based): chr13:48,465,020, A>G. VCF-style: chr13-48465020-A-G. GRCh37 (hg19) VCF-style: chr13-49039156-A-G.
Other names: c.2234A>G, p.Lys745Arg (NM_001407165.1); short protein forms K745R.
Identifiers: ClinVar variation 1921091 (VCV001921091.6), dbSNP rs2138344612, ClinGen allele CA388167527.

ClinVar aggregate classification (germline): Conflicting classifications of pathogenicity. Review status: criteria provided, conflicting classifications (1 of 4 stars). 2 submissions from 2 submitters: Uncertain significance (1); Likely benign (1). Last evaluated 2024-06-12.

Conditions:
Hereditary cancer-predisposing syndrome. Also called: Hereditary Cancer Syndrome; Hereditary neoplastic syndrome; Neoplastic Syndromes, Hereditary; Tumor predisposition. Identifiers: Orphanet 140162, MedGen C0027672, MeSH D009386, MONDO:0015356.
Retinoblastoma (RB1). Also called: RETINOBLASTOMA, SOMATIC. Identifiers: Orphanet 790, MedGen C0035335, MeSH D012175, MONDO:0008380, OMIM 180200, HP:0009919. Disease mechanism: loss of function. Inheritance: Both sporadic and heritable forms are tested..

Submissions (2):

Ambry Genetics
Classification: Likely benign for Hereditary cancer-predisposing syndrome. Last evaluated: 2024-06-12. Review status: criteria provided, single submitter. Criteria: Ambry Variant Classification Scheme 2023. Collection method: clinical testing. Allele origin: germline.

Labcorp Genetics (formerly Invitae), Labcorp
Classification: Uncertain significance for Retinoblastoma. Last evaluated: 2022-02-18. Review status: criteria provided, single submitter. Criteria: Invitae Variant Classification Sherloc (09022015). Collection method: clinical testing. Allele origin: germline.
Comment: In summary, the available evidence is currently insufficient to determine the role of this variant in disease. Therefore, it has been classified as a Variant of Uncertain Significance. Algorithms developed to predict the effect of missense changes on protein structure and function output the following: SIFT: "Tolerated"; PolyPhen-2: "Benign"; Align-GVGD: "Class C0". The arginine amino acid residue is found in multiple mammalian species, which suggests that this missense change does not adversely affect protein function. This variant has not been reported in the literature in individuals affected with RB1-related conditions. This variant is not present in population databases (gnomAD no frequency). This sequence change replaces lysine, which is basic and polar, with arginine, which is basic and polar, at codon 745 of the RB1 protein (p.Lys745Arg).